The following is an entry in ClinVar:

NM_001363.5(DKC1):c.1214C>T (p.Thr405Ile)

Gene: DKC1 (dyskerin pseudouridine synthase 1; plus strand). Cytogenetic location: Xq28.
Variant type: single nucleotide variant.
Coding change: c.1214C>T on transcript NM_001363.5 (MANE Select); coding-DNA position 1214, C replaced by T.
Protein change: p.Thr405Ile; replaces threonine 405 with isoleucine.
Molecular consequence: missense variant. On other transcripts: non-coding transcript variant (3).
Genome position (GRCh38, 1-based): chrX:154,774,660, C>T. VCF-style: chrX-154774660-C-T. GRCh37 (hg19) VCF-style: chrX-154002935-C-T.
Other names: c.1214C>T, p.Thr405Ile (NM_001142463.3, NM_001288747.2); short protein forms T405I.
Identifiers: ClinVar variation 2663986 (VCV002663986.2), dbSNP rs782379748, ClinGen allele CA10567184.

ClinVar aggregate classification (germline): Uncertain significance. Review status: criteria provided, multiple submitters, no conflicts (2 of 4 stars). 2 submissions from 2 submitters: Uncertain significance (2). Last evaluated 2024-06-20.

Conditions:
Dyskeratosis congenita, X-linked (DKCX). Also called: Zinsser-Cole-Engman Syndrome. Identifiers: MedGen C1148551, MONDO:0010584, OMIM 305000.

Allele frequency attached by ClinVar (database versions not stated): ExAC 0.00001; gnomAD 0.00001; TOPMed 0.00001.
gnomAD v4.1: 4 of 1,210,165 alleles (0.00033%); highest among the groups gnomAD compares: African/African-American, 0.0017%; no homozygotes.

Submissions (2):

GeneDx
Classification: Uncertain significance. Last evaluated: 2024-06-20. Review status: criteria provided, single submitter. Criteria: GeneDx Variant Classification Process June 2021. Collection method: clinical testing. Allele origin: germline. Affected: yes.
Comment: Not observed at significant frequency in large population cohorts (gnomAD); In silico analysis indicates that this missense variant does not alter protein structure/function; Has not been previously published as pathogenic or benign to our knowledge

St. Jude Molecular Pathology, St. Jude Children's Research Hospital
Classification: Uncertain significance for Dyskeratosis congenita, X-linked. Last evaluated: 2023-09-22. Review status: criteria provided, single submitter. Criteria: St. Jude Assertion Criteria 2020. Collection method: clinical testing. Allele origin: germline.
Comment: The DKC1 c.1214C>T (p.Thr405Ile) missense change a maximum subpopulation frequency of 0.007% in gnomAD v2.1.1. The in silico tool REVEL is inconclusive about a pathogenic or benign effect of this variant on protein function, and to our knowledge functional studies have not been performed. This variant has not been reported in the literature in individuals with dyskeratosis congenita. In summary, the evidence currently available is insufficient to determine the clinical significance of this variant. It has therefore been classified as of uncertain significance.